The following is an entry in ClinVar:

ClinVar aggregate classification (germline): Uncertain significance (1 of 4 stars; one submission).

Submission:

Labcorp Genetics (formerly Invitae), Labcorp
Classification: Uncertain significance. Last evaluated: 2025-11-08. Review status: criteria provided, single submitter. Criteria: Invitae Variant Classification Sherloc (09022015). Collection method: clinical testing. Allele origin: germline.
Comment: This variant, c.2126_2128dup, results in the insertion of 1 amino acid(s) of the KIF23 protein (p.Gln709dup), but otherwise preserves the integrity of the reading frame. This variant is not present in population databases (gnomAD no frequency). This variant has not been reported in the literature in individuals affected with KIF23-related conditions. ClinVar contains an entry for this variant (Variation ID: 2083970). In summary, the available evidence is currently insufficient to determine the role of this variant in disease. Therefore, it has been classified as a Variant of Uncertain Significance.

NM_001367805.3(KIF23):c.2168_2170dup (p.Gln723_Leu724insGln)

Gene: KIF23 (kinesin family member 23; plus strand). Cytogenetic location: 15q23.
Variant type: Duplication.
Coding change: c.2168_2170dup on transcript NM_001367805.3 (MANE Select); coding-DNA positions 2168 to 2170, 3 bases duplicated (AGC; older notation c.2168_2170dupAGC).
Protein change: p.Gln723_Leu724insGln.
Molecular consequence: inframe insertion. On other transcripts: non-coding transcript variant (1), intron variant (1).
Genome position (GRCh38, 1-based): chr15:69,440,826-69,440,828, AGC duplicated; duplicating any 3 consecutive bases within chr15:69,440,825-69,440,828 gives the same sequence; the c. name uses the placement nearest the transcript's 3' end. VCF-style (leftmost placement, unchanged base first): chr15-69440824-A-ACAG. GRCh37 (hg19) VCF-style: chr15-69733163-A-ACAG.
Other names: c.1796_1798dup, p.Gln599_Leu600insGln (NM_001281301.2); c.2126_2128dup, p.Gln709_Leu710insGln (NM_001367804.2, NM_138555.4); c.2067+339_2067+341dup (NM_004856.7).
Identifiers: ClinVar variation 2083970 (VCV002083970.4), dbSNP rs2505110034, ClinGen allele CA2580089909.